The following is an entry in ClinVar:

ClinVar aggregate classification (germline): Uncertain significance. Review status: criteria provided, multiple submitters, no conflicts (2 of 4 stars). 6 submissions from 6 submitters: Uncertain significance (6). Last evaluated 2026-03-11.

Conditions:
Inborn genetic diseases. Identifiers: MedGen C0950123, MeSH D030342.
COL9A2-related disorder. Also called: COL9A2-related condition.
Stickler syndrome, type 5 (STL5). Also called: COL9A2-Related Stickler Syndrome. Identifiers: Orphanet 250984, Orphanet 828, MedGen C3280342, MONDO:0013666, OMIM 614284.
Epiphyseal dysplasia, multiple, 2 (EDM2). Also called: COL9A2-Related Multiple Epiphyseal Dysplasia. Identifiers: MedGen C1838429, MONDO:0010844, OMIM 600204.

Allele frequency attached by ClinVar (database versions not stated): gnomAD exomes 0.00005; gnomAD 0.00006 and 0.00007; TOPMed 0.00006; ExAC 0.00015; 1000 Genomes Project 0.00020; 1000 Genomes Project 30x 0.00031.

Submissions (6):

PreventionGenetics, part of Exact Sciences
Classification: Uncertain significance for COL9A2-related condition. Last evaluated: 2026-03-11. Review status: criteria provided, single submitter. Criteria: ACMG Guidelines, 2015. Collection method: clinical testing. Allele origin: germline.
Comment: The COL9A2 c.1219C>A variant is predicted to result in the amino acid substitution p.Pro407Thr. To our knowledge, this variant has not been reported in the literature. This variant is reported in 0.011% of alleles in individuals of European (Non-Finnish) descent in gnomAD. At this time, the clinical significance of this variant is uncertain due to the absence of conclusive functional and genetic evidence.

Labcorp Genetics (formerly Invitae), Labcorp
Classification: Uncertain significance. Last evaluated: 2025-12-21. Review status: criteria provided, single submitter. Criteria: Invitae Variant Classification Sherloc (09022015). Collection method: clinical testing. Allele origin: germline.
Comment: This sequence change replaces proline, which is neutral and non-polar, with threonine, which is neutral and polar, at codon 407 of the COL9A2 protein (p.Pro407Thr). This variant is present in population databases (rs565855414, gnomAD 0.01%). This variant has not been reported in the literature in individuals affected with COL9A2-related conditions. ClinVar contains an entry for this variant (Variation ID: 283517). Invitae Evidence Modeling of protein sequence and biophysical properties (such as structural, functional, and spatial information, amino acid conservation, physicochemical variation, residue mobility, and thermodynamic stability) indicates that this missense variant is not expected to disrupt COL9A2 protein function with a negative predictive value of 95%. In summary, the available evidence is currently insufficient to determine the role of this variant in disease. Therefore, it has been classified as a Variant of Uncertain Significance.

Ambry Genetics
Classification: Uncertain significance for Inborn genetic diseases. Last evaluated: 2024-11-11. Review status: criteria provided, single submitter. Criteria: Ambry Variant Classification Scheme 2023. Collection method: clinical testing. Allele origin: germline.

GeneDx
Classification: Uncertain significance. Last evaluated: 2023-08-21. Review status: criteria provided, single submitter. Criteria: GeneDx Variant Classification Process June 2021. Collection method: clinical testing. Allele origin: germline. Affected: yes.
Comment: Has not been previously published as pathogenic or benign to our knowledge; In silico analysis supports that this missense variant does not alter protein structure/function

Fulgent Genetics
Classification: Uncertain significance for Epiphyseal dysplasia, multiple, 2; Stickler syndrome, type 5. Last evaluated: 2018-10-31. Review status: criteria provided, single submitter. Criteria: ACMG Guidelines, 2015. Collection method: clinical testing. Allele origin: unknown.

Eurofins Ntd Llc (ga)
Classification: Uncertain significance. Last evaluated: 2016-12-22. Review status: criteria provided, single submitter. Criteria: EGL Classification Definitions 2015. Collection method: clinical testing. Allele origin: germline. Observed: 4 variant alleles, 4 heterozygotes.

NM_001852.4(COL9A2):c.1219C>A (p.Pro407Thr)

Gene: COL9A2 (collagen type IX alpha 2 chain; minus strand). Cytogenetic location: 1p34.2.
Variant type: single nucleotide variant.
Coding change: c.1219C>A on transcript NM_001852.4 (MANE Select); coding-DNA position 1219, C replaced by A.
Protein change: p.Pro407Thr; replaces proline 407 with threonine.
Molecular consequence: missense variant.
Genome position (GRCh38, 1-based): chr1:40,304,388, G>T on the plus strand (C>A on the coding strand, the complement: COL9A2 is on the minus strand). VCF-style: chr1-40304388-G-T. GRCh37 (hg19) VCF-style: chr1-40770060-G-T.
Other names: short protein forms P407T.
Identifiers: ClinVar variation 283517 (VCV000283517.19), dbSNP rs565855414, ClinGen allele CA791529.